The following is an entry in ClinVar:

NM_001845.6(COL4A1):c.4074G>T (p.Glu1358Asp)

Gene: COL4A1 (collagen type IV alpha 1 chain; minus strand). Cytogenetic location: 13q34.
Variant type: single nucleotide variant.
Coding change: c.4074G>T on transcript NM_001845.6 (MANE Select); coding-DNA position 4074, G replaced by T.
Protein change: p.Glu1358Asp; replaces glutamic acid 1358 with aspartic acid.
Molecular consequence: missense variant.
Genome position (GRCh38, 1-based): chr13:110,164,938, C>A on the plus strand (G>T on the coding strand, the complement: COL4A1 is on the minus strand). VCF-style: chr13-110164938-C-A. GRCh37 (hg19) VCF-style: chr13-110817285-C-A.
Other names: p.Glu1358Asp; short protein forms E1358D.
Identifiers: ClinVar variation 2683240 (VCV002683240.2), dbSNP rs780708794, ClinGen allele CA388660181.

ClinVar aggregate classification (germline): Uncertain significance. Review status: criteria provided, multiple submitters, no conflicts (2 of 4 stars). 2 submissions from 2 submitters: Uncertain significance (2). Last evaluated 2026-01-20.

Submissions (2):

Labcorp Genetics (formerly Invitae), Labcorp
Classification: Uncertain significance. Last evaluated: 2026-01-20. Review status: criteria provided, single submitter. Criteria: Invitae Variant Classification Sherloc (09022015). Collection method: clinical testing. Allele origin: germline.
Comment: This sequence change replaces glutamic acid, which is acidic and polar, with aspartic acid, which is acidic and polar, at codon 1358 of the COL4A1 protein (p.Glu1358Asp). This variant is not present in population databases (gnomAD no frequency). This variant has not been reported in the literature in individuals affected with COL4A1-related conditions. ClinVar contains an entry for this variant (Variation ID: 2683240). Invitae Evidence Modeling of protein sequence and biophysical properties (such as structural, functional, and spatial information, amino acid conservation, physicochemical variation, residue mobility, and thermodynamic stability) indicates that this missense variant is not expected to disrupt COL4A1 protein function with a negative predictive value of 95%. In summary, the available evidence is currently insufficient to determine the role of this variant in disease. Therefore, it has been classified as a Variant of Uncertain Significance.

Mayo Clinic Laboratories, Mayo Clinic
Classification: Uncertain significance. Last evaluated: 2022-11-22. Review status: criteria provided, single submitter. Criteria: ACMG Guidelines, 2015. Collection method: clinical testing. Allele origin: germline. Observed: 1 variant allele.
Comment: PM2_supporting